The following is an entry in ClinVar:

ClinVar aggregate classification (germline): Uncertain significance (1 of 4 stars; one submission).

gnomAD v4.1: 1 of 1,612,118 alleles (0.000062%); highest among the groups gnomAD compares: Non-Finnish European, 0.000085%; no homozygotes.

Submission:

GeneDx
Classification: Uncertain significance. Last evaluated: 2023-04-11. Review status: criteria provided, single submitter. Criteria: GeneDx Variant Classification Process June 2021. Collection method: clinical testing. Allele origin: germline. Affected: yes.
Comment: Not observed at significant frequency in large population cohorts (gnomAD); In silico analysis supports that this missense variant has a deleterious effect on protein structure/function; Has not been previously published as pathogenic or benign to our knowledge

NM_014846.4(WASHC5):c.905A>T (p.Asp302Val)

Gene: WASHC5 (WASH complex subunit 5; minus strand). Cytogenetic location: 8q24.13.
Variant type: single nucleotide variant.
Coding change: c.905A>T on transcript NM_014846.4 (MANE Select); coding-DNA position 905, A replaced by T.
Protein change: p.Asp302Val; replaces aspartic acid 302 with valine.
Molecular consequence: missense variant.
Genome position (GRCh38, 1-based): chr8:125,075,071, T>A on the plus strand (A>T on the coding strand, the complement: WASHC5 is on the minus strand). VCF-style: chr8-125075071-T-A. GRCh37 (hg19) VCF-style: chr8-126087313-T-A.
Other names: c.461A>T, p.Asp154Val (NM_001330609.2); short protein forms D154V, D302V.
Identifiers: ClinVar variation 3343038 (VCV003343038.1).